The following is an entry in ClinVar:

NM_000304.4(PMP22):c.319+2T>G

Gene: PMP22 (peripheral myelin protein 22; minus strand). Cytogenetic location: 17p12.
Variant type: single nucleotide variant.
Coding change: c.319+2T>G on transcript NM_000304.4 (MANE Select); the canonical splice donor site of the intron after coding-DNA position 319, T replaced by G.
Molecular consequence: splice donor variant.
Genome position (GRCh38, 1-based): chr17:15,239,469, A>C on the plus strand (T>G on the coding strand, the complement: PMP22 is on the minus strand). VCF-style: chr17-15239469-A-C. GRCh37 (hg19) VCF-style: chr17-15142786-A-C.
Other names: c.319+2T>G (NM_001281456.2, NM_153321.3, NM_001281455.2 and 2 more transcripts).
Identifiers: ClinVar variation 3657966 (VCV003657966.2).

ClinVar aggregate classification (germline): Pathogenic (1 of 4 stars; one submission).

Conditions:
Charcot-Marie-Tooth disease, type I (CMT1). Also called: Charcot-Marie-Tooth disease type 1; Charcot-Marie-Tooth, Type 1. Identifiers: Orphanet 65753, MedGen C0751036, MONDO:0019011.

Submission:

Labcorp Genetics (formerly Invitae), Labcorp
Classification: Pathogenic for Charcot-Marie-Tooth disease, type I. Last evaluated: 2024-06-26. Review status: criteria provided, single submitter. Criteria: Invitae Variant Classification Sherloc (09022015). Collection method: clinical testing. Allele origin: germline.
Comment: This sequence change affects a donor splice site in intron 4 of the PMP22 gene. While this variant is not anticipated to result in nonsense mediated decay, it likely alters RNA splicing and results in a disrupted protein product. This variant is not present in population databases (gnomAD no frequency). Disruption of this splice site has been observed in individuals with autosomal dominant Charcot-Marie-Tooth disease (PMID: 8012365, 12402337, 31211173, 34255403; Invitae). Variants that disrupt the consensus splice site are a relatively common cause of aberrant splicing (PMID: 17576681, 9536098). Algorithms developed to predict the effect of sequence changes on RNA splicing suggest that this variant may disrupt the consensus splice site. For these reasons, this variant has been classified as Pathogenic.

Literature cited by the submitters: PubMed 8012365; PubMed 12402337; PubMed 31211173; PubMed 34255403; PubMed 17576681; PubMed 9536098.